The following is an entry in ClinVar:

NM_024741.3(ZNF408):c.184G>A (p.Ala62Thr)

Gene: ZNF408 (zinc finger protein 408; plus strand). Cytogenetic location: 11p11.2.
Variant type: single nucleotide variant.
Coding change: c.184G>A on transcript NM_024741.3 (MANE Select); coding-DNA position 184, G replaced by A.
Protein change: p.Ala62Thr; replaces alanine 62 with threonine.
Molecular consequence: missense variant.
Genome position (GRCh38, 1-based): chr11:46,701,530, G>A. VCF-style: chr11-46701530-G-A. GRCh37 (hg19) VCF-style: chr11-46723080-G-A.
Other names: c.160G>A, p.Ala54Thr (NM_001184751.2); short protein forms A54T, A62T.
Identifiers: ClinVar variation 1450117 (VCV001450117.8), dbSNP rs1309897299, ClinGen allele CA380251686.

ClinVar aggregate classification (germline): Uncertain significance (1 of 4 stars; one submission).

Allele frequency attached by ClinVar (database versions not stated): gnomAD exomes below 0.00001; TOPMed below 0.00001.
gnomAD v4.1: 1 of 1,613,844 alleles (0.000062%); highest among the groups gnomAD compares: Non-Finnish European, 0.000085%; no homozygotes.

Submission:

Labcorp Genetics (formerly Invitae), Labcorp
Classification: Uncertain significance. Last evaluated: 2022-07-15. Review status: criteria provided, single submitter. Criteria: Invitae Variant Classification Sherloc (09022015). Collection method: clinical testing. Allele origin: germline.
Comment: In summary, the available evidence is currently insufficient to determine the role of this variant in disease. Therefore, it has been classified as a Variant of Uncertain Significance. Algorithms developed to predict the effect of missense changes on protein structure and function are either unavailable or do not agree on the potential impact of this missense change (SIFT: "Deleterious"; PolyPhen-2: "Probably Damaging"; Align-GVGD: "Class C0"). ClinVar contains an entry for this variant (Variation ID: 1450117). This variant has not been reported in the literature in individuals affected with ZNF408-related conditions. This variant is present in population databases (no rsID available, gnomAD 0.0009%). This sequence change replaces alanine, which is neutral and non-polar, with threonine, which is neutral and polar, at codon 62 of the ZNF408 protein (p.Ala62Thr).